The following is an entry in ClinVar:

NM_000530.8(MPZ):c.241C>T (p.His81Tyr)

Gene: MPZ (myelin protein zero; minus strand). Cytogenetic location: 1q23.3.
Variant type: single nucleotide variant.
Coding change: c.241C>T on transcript NM_000530.8 (MANE Select); coding-DNA position 241, C replaced by T.
Protein change: p.His81Tyr; replaces histidine 81 with tyrosine.
Molecular consequence: missense variant.
Genome position (GRCh38, 1-based): chr1:161,306,915, G>A on the plus strand (C>T on the coding strand, the complement: MPZ is on the minus strand). VCF-style: chr1-161306915-G-A. GRCh37 (hg19) VCF-style: chr1-161276705-G-A.
Other names: c.241C>T, p.His81Tyr (LRG_256t1, NM_001315491.2); short protein forms H81Y.
Identifiers: ClinVar variation 41016 (VCV000041016.8), dbSNP rs281865123, ClinGen allele CA343894.

ClinVar aggregate classification (germline): Likely pathogenic. Review status: criteria provided, single submitter (1 of 4 stars). 4 submissions from 4 submitters: Likely pathogenic (1). 3 of the submissions do not count toward it. Last evaluated 2023-02-25.

Conditions:
Charcot-Marie-Tooth disease. Also called: Charcot-Marie-Tooth Neuropathy; Charcot-Marie-Tooth Hereditary Neuropathy. Identifiers: Orphanet 166, MedGen C0007959, MONDO:0015626.
Charcot-Marie-Tooth disease, type I (CMT1). Also called: Charcot-Marie-Tooth, Type 1; Charcot-Marie-Tooth disease type 1. Identifiers: Orphanet 65753, MedGen C0751036, MONDO:0019011.
Charcot-Marie-Tooth disease type 1B. Also called: HEREDITARY MOTOR AND SENSORY NEUROPATHY I; HEREDITARY MOTOR AND SENSORY NEUROPATHY IB; CHARCOT-MARIE-TOOTH DISEASE, AUTOSOMAL DOMINANT, WITH FOCALLY FOLDED MYELIN SHEATHS, TYPE 1B; CHARCOT-MARIE-TOOTH DISEASE, SLOW NERVE CONDUCTION TYPE, LINKED TO DUFFY; CHARCOT-MARIE-TOOTH NEUROPATHY, TYPE 1B; Charcot-Marie-Tooth disease, demyelinating, type 1b. Identifiers: Orphanet 101082, MedGen C0270912, MONDO:0007307, OMIM 118200.

Submissions (4):

Labcorp Genetics (formerly Invitae), Labcorp
Classification: Likely pathogenic for Charcot-Marie-Tooth disease, type I. Last evaluated: 2023-02-25. Review status: criteria provided, single submitter. Criteria: Invitae Variant Classification Sherloc (09022015). Collection method: clinical testing. Allele origin: germline.
Comment: This sequence change replaces histidine, which is basic and polar, with tyrosine, which is neutral and polar, at codon 81 of the MPZ protein (p.His81Tyr). In summary, the currently available evidence indicates that the variant is pathogenic, but additional data are needed to prove that conclusively. Therefore, this variant has been classified as Likely Pathogenic. This variant disrupts the p.His81 amino acid residue in MPZ. Other variant(s) that disrupt this residue have been determined to be pathogenic (PMID: 8990016). This suggests that this residue is clinically significant, and that variants that disrupt this residue are likely to be disease-causing. Experimental studies have shown that this missense change affects MPZ function (PMID: 26406915). Advanced modeling of protein sequence and biophysical properties (such as structural, functional, and spatial information, amino acid conservation, physicochemical variation, residue mobility, and thermodynamic stability) performed at Invitae indicates that this missense variant is not expected to disrupt MPZ protein function. ClinVar contains an entry for this variant (Variation ID: 41016). This variant is also known as H52Y. This missense change has been observed in individuals with clinical features of Charcot-Marie-Tooth disease (PMID: 21149811; Invitae). This variant is not present in population databases (gnomAD no frequency).

Genesis Genome Database
Classification: Uncertain significance for Charcot-Marie-Tooth disease. Last evaluated: 2019-08-14. Review status: no assertion criteria provided. Collection method: research. Allele origin: germline. Affected: yes. Not counted in ClinVar's aggregate classification.

GeneReviews
No classification provided. Condition: Charcot-Marie-Tooth disease type 1B. Review status: no classification provided. Collection method: literature only. Allele origin: germline. Affected: yes. Not counted in ClinVar's aggregate classification.

Inherited Neuropathy Consortium
Classification: Uncertain significance for Charcot-Marie-Tooth disease. Review status: no assertion criteria provided. Collection method: literature only. Allele origin: germline. Affected: yes. Not counted in ClinVar's aggregate classification.

Literature cited by the submitters: PubMed 8990016 (cited by Labcorp Genetics (formerly Invitae), Labcorp); PubMed 26406915 (cited by Labcorp Genetics (formerly Invitae), Labcorp); PubMed 21149811 (cited by Labcorp Genetics (formerly Invitae), Labcorp); NCBI Bookshelf NBK1205 (cited by GeneReviews); PubMed 11801400 (cited by Inherited Neuropathy Consortium).